The following is an entry in ClinVar:

ClinVar aggregate classification (germline): Pathogenic (1 of 4 stars; one submission).

Conditions:
Muscular dystrophy-dystroglycanopathy (congenital with brain and eye anomalies), type a, 8 (MDDGA8). Also called: WALKER-WARBURG SYNDROME OR MUSCLE-EYE-BRAIN DISEASE, GTDC2-RELATED. Identifiers: Orphanet 899, MedGen C3553813, MONDO:0013904, OMIM 614830.

Submission:

Labcorp Genetics (formerly Invitae), Labcorp
Classification: Pathogenic for Muscular dystrophy-dystroglycanopathy (congenital with brain and eye anomalies), type a, 8. Last evaluated: 2022-12-02. Review status: criteria provided, single submitter. Criteria: Invitae Variant Classification Sherloc (09022015). Collection method: clinical testing. Allele origin: germline.
Comment: For these reasons, this variant has been classified as Pathogenic. This variant disrupts a region of the POMGNT2 protein in which other variant(s) (p.Gln411Argfs*10) have been determined to be pathogenic (PMID: 35229910; Invitae). This suggests that this is a clinically significant region of the protein, and that variants that disrupt it are likely to be disease-causing. This premature translational stop signal has been observed in individual(s) with clinical features of muscular dystrophy-dystroglycanopathy (Invitae). Information on the frequency of this variant in the gnomAD database is not available, as this variant may be reported differently in the database. This sequence change creates a premature translational stop signal (p.Ala137Glyfs*84) in the POMGNT2 gene. While this is not anticipated to result in nonsense mediated decay, it is expected to disrupt the last 444 amino acid(s) of the POMGNT2 protein.

Literature cited by the submitters: PubMed 35229910.

NM_032806.6(POMGNT2):c.410_411delinsG (p.Ala137fs)

Gene: POMGNT2 (protein O-linked mannose N-acetylglucosaminyltransferase 2 (beta 1,4-); minus strand). Cytogenetic location: 3p22.1.
Variant type: Indel.
Coding change: c.410_411delinsG on transcript NM_032806.6 (MANE Select); coding-DNA positions 410 to 411, CT replaced by G.
Protein change: p.Ala137fs; shifts the reading frame from alanine 137.
Molecular consequence: frameshift variant.
Genome position (GRCh38, 1-based): chr3:43,081,021-43,081,022, AG replaced by C on the plus strand (CT replaced by G on the coding strand, the reverse complement: POMGNT2 is on the minus strand). VCF-style: chr3-43081021-AG-C. GRCh37 (hg19) VCF-style: chr3-43122513-AG-C.
Other names: short protein forms A137fs.
Identifiers: ClinVar variation 1453141 (VCV001453141.7), dbSNP rs2125700808, ClinGen allele CA2573136966.
Genomic context (GRCh38, chr3:43,081,021, plus strand): 5'-GTTGGCGATGAGGGCCACGTCTGGCACGAACACCGGCTTGGGCATGAAGCGCAGGGCAGC[AG>C]CAGGCAGCTCCACGAAGTTGAAGTACTGAGTGTTGTGGTCCTCCACGGTGGATAGGTCGA-3'